The following is an entry in ClinVar:

NM_001040108.2(MLH3):c.3664G>A (p.Val1222Met)

Gene: MLH3 (mutL homolog 3; minus strand). Cytogenetic location: 14q24.3.
Variant type: single nucleotide variant.
Coding change: c.3664G>A on transcript NM_001040108.2 (MANE Select); coding-DNA position 3664, G replaced by A.
Protein change: p.Val1222Met; replaces valine 1222 with methionine.
Molecular consequence: missense variant. On other transcripts: intron variant (1).
Genome position (GRCh38, 1-based): chr14:75,033,470, C>T on the plus strand (G>A on the coding strand, the complement: MLH3 is on the minus strand). VCF-style: chr14-75033470-C-T. GRCh37 (hg19) VCF-style: chr14-75500173-C-T.
Other names: c.3644-1291G>A (NM_014381.3); short protein forms V1222M.
Identifiers: ClinVar variation 2573187 (VCV002573187.1), dbSNP rs2503142428, ClinGen allele CA390425440.

ClinVar aggregate classification (germline): Uncertain significance (1 of 4 stars; one submission).

Conditions:
Colorectal cancer, hereditary nonpolyposis, type 7. Identifiers: Orphanet 144, MedGen C1858380, MONDO:0013725, OMIM 614385.

Submission:

KCCC/NGS Laboratory, Kuwait Cancer Control Center
Classification: Uncertain significance for Colorectal cancer, hereditary nonpolyposis, type 7. Last evaluated: 2023-07-07. Review status: criteria provided, single submitter. Criteria: ACMG Guidelines, 2015. Collection method: clinical testing. Allele origin: unknown. Affected: yes.
Comment: This sequence change replaces glycine with valine at codon 1222 of the MLH3 protein (p.Val1222Met). also known as c.3664G>A, which located in coding exon 7 of the MLH3 gene (NM_001040108.1) . The Valine residue is moderately conserved (PhyloP = 4.38). This variant is not present in population databases (gnomAD). This variant has not been reported in the literature in individuals with MLH3-related conditions. ClinVar has no entry for this variant . This alteration is predicted to be possibly damaging and deleterious by (PolyPhen , BayesDel_addAF, MetaRNN , LRT, Mutation assessor, MutPred, and SIFT). In summary, the available evidence is currently insufficient to determine the role of this variant in disease. Therefore, it has been classified as a Variant of Uncertain Significance.